The following is an entry in ClinVar:

NM_001943.5(DSG2):c.523C>T (p.His175Tyr)

Gene: DSG2 (desmoglein 2; plus strand). Cytogenetic location: 18q12.1.
Variant type: single nucleotide variant.
Coding change: c.523C>T on transcript NM_001943.5 (MANE Select); coding-DNA position 523, C replaced by T.
Protein change: p.His175Tyr; replaces histidine 175 with tyrosine.
Molecular consequence: missense variant.
Genome position (GRCh38, 1-based): chr18:31,521,243, C>T. VCF-style: chr18-31521243-C-T. GRCh37 (hg19) VCF-style: chr18-29101206-C-T.
Other names: short protein forms H175Y.
Identifiers: ClinVar variation 1171938 (VCV001171938.13), dbSNP rs375422019, ClinGen allele CA049288.

ClinVar aggregate classification (germline): Uncertain significance. Review status: criteria provided, multiple submitters, no conflicts (2 of 4 stars). 6 submissions from 6 submitters: Uncertain significance (6). Last evaluated 2026-03-23.

Conditions:
Cardiovascular phenotype. Identifiers: MedGen CN230736.
Arrhythmogenic right ventricular cardiomyopathy (ARVD). Also called: Cardiomyopathy, ARVC; Arrhythmogenic right ventricular dysplasia; Arrhythmogenic cardiomyopathy; Arrhythmogenic Right Ventricular Cardiomyopathy (ARVC). Identifiers: Orphanet 247, MedGen C0349788, MeSH D019571, MONDO:0016587. Disease mechanism: loss of function. Inheritance: Various modes of inheritance.
Cardiomyopathy (CMYO). Also called: Cardiomyopathies. Identifiers: Orphanet 167848, MedGen C0878544, MONDO:0004994, HP:0001638. Inheritance: Various modes of inheritance.
Arrhythmogenic right ventricular dysplasia 10. Also called: Arrhythmogenic Right Ventricular Dysplasia/Cardiomyopathy10; ARRHYTHMOGENIC RIGHT VENTRICULAR DYSPLASIA, FAMILIAL, 10; Arrhythmogenic right ventricular dysplasia/cardiomyopathy, type 10. Identifiers: MedGen C1857777, MONDO:0012434, OMIM 610193.

Allele frequency attached by ClinVar (database versions not stated): TOPMed 0.00002; ExAC 0.00001; gnomAD 0.00001; gnomAD exomes 0.00002.
gnomAD v4.1: 10 of 1,601,396 alleles (0.00062%); highest among the groups gnomAD compares: Admixed American, 0.0051%; no homozygotes.

Submissions (6):

Women's Health and Genetics/Laboratory Corporation of America, LabCorp
Classification: Uncertain significance. Last evaluated: 2026-03-23. Review status: criteria provided, single submitter. Criteria: LabCorp Variant Classification Summary - May 2015. Collection method: clinical testing. Allele origin: germline.
Comment: Variant summary: DSG2 c.523C>T (p.His175Tyr) results in a conservative amino acid change in the encoded protein sequence. Algorithms developed to predict the effect of missense changes on protein structure and function all suggest that this variant is likely to be tolerated. Several computational tools predict a significant impact on normal splicing: Three predict the variant weakens a 5' donor site. One predict the variant no significant impact on splicing. However, these predictions have yet to be confirmed by functional studies. The variant allele was found at a frequency of 1.7e-05 in 239232 control chromosomes. The available data on variant occurrences in the general population are insufficient to allow any conclusion about variant significance. To our knowledge, no occurrence of c.523C>T in individuals affected with DSG2-related conditions and no experimental evidence demonstrating its impact on protein function have been reported. ClinVar contains an entry for this variant (Variation ID: 1171938). Based on the evidence outlined above, the variant was classified as uncertain significance.

Ambry Genetics
Classification: Uncertain significance for Cardiovascular phenotype. Last evaluated: 2024-12-20. Review status: criteria provided, single submitter. Criteria: Ambry Variant Classification Scheme 2023. Collection method: clinical testing. Allele origin: germline.
Comment: The p.H175Y variant (also known as c.523C>T), located in coding exon 5 of the DSG2 gene, results from a C to T substitution at nucleotide position 523. The histidine at codon 175 is replaced by tyrosine, an amino acid with similar properties. This amino acid position is poorly conserved in available vertebrate species. In addition, this alteration is predicted to be tolerated by in silico analysis. Based on the available evidence, the clinical significance of this variant remains unclear.

Labcorp Genetics (formerly Invitae), Labcorp
Classification: Uncertain significance for Arrhythmogenic right ventricular dysplasia 10. Last evaluated: 2024-02-22. Review status: criteria provided, single submitter. Criteria: Invitae Variant Classification Sherloc (09022015). Collection method: clinical testing. Allele origin: germline.
Comment: This sequence change replaces histidine, which is basic and polar, with tyrosine, which is neutral and polar, at codon 175 of the DSG2 protein (p.His175Tyr). This variant is present in population databases (rs375422019, gnomAD 0.009%). This variant has not been reported in the literature in individuals affected with DSG2-related conditions. ClinVar contains an entry for this variant (Variation ID: 1171938). An algorithm developed to predict the effect of missense changes on protein structure and function (PolyPhen-2) suggests that this variant is likely to be tolerated. In summary, the available evidence is currently insufficient to determine the role of this variant in disease. Therefore, it has been classified as a Variant of Uncertain Significance.

All of Us Research Program, National Institutes of Health
Classification: Uncertain significance for Arrhythmogenic right ventricular cardiomyopathy. Last evaluated: 2023-12-18. Review status: criteria provided, single submitter. Criteria: ACMG Guidelines, 2015. Collection method: clinical testing. Allele origin: germline. Inheritance: Autosomal dominant inheritance. Observed: 3 variant alleles, 3 heterozygotes.
Comment: This missense variant replaces histidine with tyrosine at codon 175 of the DSG2 protein. Computational prediction suggests that this variant may not impact protein structure and function (internally defined REVEL score threshold <= 0.5, PMID: 27666373). To our knowledge, functional studies have not been reported for this variant. This variant has not been reported in individuals affected with cardiovascular disorders in the literature. This variant has been identified in 4/239232 chromosomes in the general population by the Genome Aggregation Database (gnomAD). The available evidence is insufficient to determine the role of this variant in disease conclusively. Therefore, this variant is classified as a Variant of Uncertain Significance.

This study involves interpretation of variants in research participants for the purpose of population health screening. Participant phenotype was not available at the time of variant classification. Additional details can be found in publication PMID: 35346344, PMCID: PMC8962531

Color Diagnostics, LLC DBA Color Health
Classification: Uncertain significance for Cardiomyopathy. Last evaluated: 2023-04-05. Review status: criteria provided, single submitter. Criteria: ACMG Guidelines, 2015. Collection method: clinical testing. Allele origin: germline.
Comment: This missense variant replaces histidine with tyrosine at codon 175 of the DSG2 protein. Computational prediction suggests that this variant may not impact protein structure and function (internally defined REVEL score threshold <= 0.5, PMID: 27666373). To our knowledge, functional studies have not been reported for this variant. This variant has not been reported in individuals affected with cardiovascular disorders in the literature. This variant has been identified in 4/239232 chromosomes in the general population by the Genome Aggregation Database (gnomAD). The available evidence is insufficient to determine the role of this variant in disease conclusively. Therefore, this variant is classified as a Variant of Uncertain Significance.

GeneDx
Classification: Uncertain significance. Last evaluated: 2019-06-28. Review status: criteria provided, single submitter. Criteria: GeneDx Variant Classification Process June 2021. Collection method: clinical testing. Allele origin: germline. Affected: yes.
Comment: Has not been previously published as pathogenic or benign to our knowledge; Not observed at a significant frequency in large population cohorts (Lek et al., 2016); In silico analysis, which includes protein predictors and evolutionary conservation, supports a deleterious effect